The following is an entry in ClinVar:

ClinVar aggregate classification (germline): Uncertain significance (1 of 4 stars; one submission).

Conditions:
Tuberous sclerosis 1 (TSC1). Identifiers: Orphanet 805, MedGen C1854465, MONDO:0008612, OMIM 191100.

Submission:

Labcorp Genetics (formerly Invitae), Labcorp
Classification: Uncertain significance for Tuberous sclerosis 1. Last evaluated: 2019-09-05. Review status: criteria provided, single submitter. Criteria: Invitae Variant Classification Sherloc (09022015). Collection method: clinical testing. Allele origin: germline.
Comment: This variant is not present in population databases (ExAC no frequency). This sequence change replaces leucine with valine at codon 411 of the TSC1 protein (p.Leu411Val). The leucine residue is weakly conserved and there is a small physicochemical difference between leucine and valine. This variant has not been reported in the literature in individuals with TSC1-related conditions. Algorithms developed to predict the effect of missense changes on protein structure and function output the following: SIFT: "Tolerated"; PolyPhen-2: "Benign"; Align-GVGD: "Class C0". The valine amino acid residue is found in multiple mammalian species, suggesting that this missense change does not adversely affect protein function. These predictions have not been confirmed by published functional studies and their clinical significance is uncertain. Algorithms developed to predict the effect of sequence changes on RNA splicing suggest that this variant may create or strengthen a splice site, but this prediction has not been confirmed by published transcriptional studies. In summary, the available evidence is currently insufficient to determine the role of this variant in disease. Therefore, it has been classified as a Variant of Uncertain Significance.

NM_000368.5(TSC1):c.1231C>G (p.Leu411Val)

Gene: TSC1 (TSC complex subunit 1; minus strand). Cytogenetic location: 9q34.13.
Variant type: single nucleotide variant.
Coding change: c.1231C>G on transcript NM_000368.5 (MANE Select); coding-DNA position 1231, C replaced by G.
Protein change: p.Leu411Val; replaces leucine 411 with valine.
Molecular consequence: missense variant.
Genome position (GRCh38, 1-based): chr9:132,910,603, G>C on the plus strand (C>G on the coding strand, the complement: TSC1 is on the minus strand). VCF-style: chr9-132910603-G-C. GRCh37 (hg19) VCF-style: chr9-135785990-G-C.
Other names: c.1228C>G, p.Leu410Val (NM_001162426.2); c.1078C>G, p.Leu360Val (NM_001162427.2); c.868C>G, p.Leu290Val (NM_001362177.2); short protein forms L290V, L360V, L410V, L411V.
Identifiers: ClinVar variation 939443 (VCV000939443.9), dbSNP rs397514840, ClinGen allele CA375366840.
Genomic context (GRCh38, chr9:132,910,603, plus strand): 5'-GAGGGATAGCAGACGAGCTGGATCGCACCTTCCTGGGGGGTGTGACTGTGGCCTGGGGGA[G>C]TGAAATGTGCACGTAGTCATCCGAATGACAGAGTGGGGCTGGAGGAGGAGAGGTTGCTGG-3'
Protein context (NP_000359.1, residues 401-421): CHSDDYVHIS[Leu411Val]PQATVTPPRK